The following is an entry in ClinVar:

NM_000257.4(MYH7):c.3347AGGAGCTGGAGG[3] (p.1116EELE[3])

Gene: MYH7 (myosin heavy chain 7; minus strand). Cytogenetic location: 14q11.2.
Variant type: Microsatellite.
Coding change: c.3347AGGAGCTGGAGG[3] on transcript NM_000257.4 (MANE Select); three copies in a row of the 12-base unit AGGAGCTGGAGG starting at c.3347; the reference has two copies in a row; one copy, 12 bases duplicated.
Protein change: p.1116EELE[3].
Molecular consequence: inframe insertion.
Genome position (GRCh38, 1-based): chr14:23,420,201-23,420,212, CCTCCAGCTCCT duplicated on the plus strand (AGGAGCTGGAGG on the coding strand, the reverse complement: MYH7 is on the minus strand); duplicating any 12 consecutive bases within chr14:23,420,201-23,420,225 gives the same sequence; the position shown is the placement nearest the transcript's 3' end. VCF-style (leftmost placement, unchanged base first): chr14-23420200-G-GCCTCCAGCTCCT. GRCh37 (hg19) VCF-style: chr14-23889409-G-GCCTCCAGCTCCT.
Other names: c.3359_3370dup12 (NM_000257.3).
Identifiers: ClinVar variation 407195 (VCV000407195.15), dbSNP rs1064792935, ClinGen allele CA16614085.

ClinVar aggregate classification (germline): Likely pathogenic. Review status: criteria provided, multiple submitters, no conflicts (2 of 4 stars). 3 submissions from 3 submitters: Likely pathogenic (2). 1 of the submissions does not count toward it. Last evaluated 2020-01-07.

Conditions:
MYH7-related disorder. Also called: MYH7-related disorders; MYH7-related condition; MYH7-related disease.
Inborn genetic diseases. Identifiers: MedGen C0950123, MeSH D030342.
Hypertrophic cardiomyopathy. Also called: HYPERTROPHIC MYOCARDIOPATHY. Identifiers: Orphanet 217569, MedGen C0007194, MeSH D002312, MONDO:0005045, HP:0001639.

Submissions (3):

Labcorp Genetics (formerly Invitae), Labcorp
Classification: Likely pathogenic for Hypertrophic cardiomyopathy. Last evaluated: 2020-01-07. Review status: criteria provided, single submitter. Criteria: Invitae Variant Classification Sherloc (09022015). Collection method: clinical testing. Allele origin: germline.
Comment: In summary, the currently available evidence indicates that the variant is pathogenic, but additional data are needed to prove that conclusively. Therefore, this variant has been classified as Likely Pathogenic. Experimental studies and prediction algorithms are not available or were not evaluated, and the functional significance of this variant is currently unknown. This variant has been observed in individual(s) with MYH7-related conditions (Invitae). In at least one individual the variant was observed to be de novo. ClinVar contains an entry for this variant (Variation ID: 407195). This variant is not present in population databases (ExAC no frequency). This variant, c.3359_3370dup, results in the insertion of 4 amino acid(s) to the MYH7 protein (p.Glu1120_Glu1123dup), but otherwise preserves the integrity of the reading frame.

Ambry Genetics
Classification: Likely pathogenic for Inborn genetic diseases. Last evaluated: 2017-12-08. Review status: criteria provided, single submitter. Criteria: Ambry exome assertion method (8-5-2015). Collection method: clinical testing. Allele origin: germline. Affected: yes. Observed: 1 variant allele.

PreventionGenetics, part of Exact Sciences
Classification: Uncertain significance for MYH7-related condition. Last evaluated: 2024-02-20. Review status: no assertion criteria provided. Collection method: clinical testing. Allele origin: germline. Not counted in ClinVar's aggregate classification.
Comment: The MYH7 c.3359_3370dup12 variant is predicted to result in an in-frame duplication (p.Glu1120_Glu1123dup). To our knowledge, this variant has not been reported in the literature or in a large population database, indicating this variant is rare. In ClinVar, this variant has been interpreted as likely pathogenic. At this time, the clinical significance of this variant is uncertain due to the absence of conclusive functional and genetic evidence.